The following is an entry in ClinVar:

NM_001367549.1(ATP13A3):c.1113C>T (p.Tyr371=)

Gene: ATP13A3 (ATPase 13A3; minus strand). Cytogenetic location: 3q29.
Variant type: single nucleotide variant.
Coding change: c.1113C>T on transcript NM_001367549.1 (MANE Select); coding-DNA position 1113, C replaced by T.
Protein change: p.Tyr371=; no amino-acid change (tyrosine 371 retained).
Molecular consequence: synonymous variant. On other transcripts: non-coding transcript variant (2).
Genome position (GRCh38, 1-based): chr3:194,448,494, G>A on the plus strand (C>T on the coding strand, the complement: ATP13A3 is on the minus strand). VCF-style: chr3-194448494-G-A. GRCh37 (hg19) VCF-style: chr3-194169223-G-A.
Other names: c.1113C>T (NM_024524.3); c.1032C>T, p.Tyr344= (NM_001374836.1); c.1113C>T, p.Tyr371= (NM_024524.4).
Identifiers: ClinVar variation 1586803 (VCV001586803.10), dbSNP rs185170011, ClinGen allele CA2762061.

ClinVar aggregate classification (germline): Benign. Review status: criteria provided, single submitter (1 of 4 stars). 2 submissions from 2 submitters: Benign (1). 1 of the submissions does not count toward it. Last evaluated 2025-08-31.

Conditions:
ATP13A3-related disorder. Also called: ATP13A3-related condition.

Allele frequency attached by ClinVar (database versions not stated): ExAC 0.00070; ESP Exome Variant Server 0.00075; TOPMed 0.00077; gnomAD exomes 0.00079 and 0.00090; gnomAD 0.00082 and 0.00084; 1000 Genomes Project 0.00120; 1000 Genomes Project 30x 0.00141.
gnomAD v4.1: 1,438 of 1,614,116 alleles (0.089%); highest among the groups gnomAD compares: Admixed American, 0.17%; 2 homozygotes.

Submissions (2):

Labcorp Genetics (formerly Invitae), Labcorp
Classification: Benign. Last evaluated: 2025-08-31. Review status: criteria provided, single submitter. Criteria: Invitae Variant Classification Sherloc (09022015). Collection method: clinical testing. Allele origin: germline.

PreventionGenetics, part of Exact Sciences
Classification: Likely benign for ATP13A3-related condition. Last evaluated: 2019-09-17. Review status: no assertion criteria provided. Collection method: clinical testing. Allele origin: germline. Not counted in ClinVar's aggregate classification.
Comment: This variant is classified as likely benign based on ACMG/AMP sequence variant interpretation guidelines (Richards et al. 2015 PMID: 25741868, with internal and published modifications).